The following is an entry in ClinVar:

NM_003482.4(KMT2D):c.12897A>G (p.Gly4299=)

Gene: KMT2D (lysine methyltransferase 2D; minus strand). Cytogenetic location: 12q13.12.
Variant type: single nucleotide variant.
Coding change: c.12897A>G on transcript NM_003482.4 (MANE Select); coding-DNA position 12897, A replaced by G.
Protein change: p.Gly4299=; no amino-acid change (glycine 4299 retained).
Molecular consequence: synonymous variant.
Genome position (GRCh38, 1-based): chr12:49,031,808, T>C on the plus strand (A>G on the coding strand, the complement: KMT2D is on the minus strand). VCF-style: chr12-49031808-T-C. GRCh37 (hg19) VCF-style: chr12-49425591-T-C.
Identifiers: ClinVar variation 4820877 (VCV004820877.4).

ClinVar aggregate classification (germline): Likely benign (1 of 4 stars; one submission).

Submission:

CeGaT Center for Human Genetics Tuebingen
Classification: Likely benign. Last evaluated: 2026-02-01. Review status: criteria provided, single submitter. Criteria: CeGaT Center For Human Genetics Tuebingen Variant Classification Criteria Version 2. Collection method: clinical testing. Allele origin: germline. Affected: yes. Observed: 1 variant allele.
Comment: KMT2D: PM2:Supporting, BP4, BP7